The following is an entry in ClinVar:

ClinVar aggregate classification (germline): Uncertain significance (1 of 4 stars; one submission).

Conditions:
X-linked Alport syndrome (ATS1). Also called: COL4A5-Related Nephropathy; NEPHROPATHY AND DEAFNESS, X-LINKED. Identifiers: Orphanet 63, Orphanet 88917, MedGen C4746986, MONDO:0010520, OMIM 301050.

Submission:

Department of Nephrology, Rheumatology and Immunology, Shanghai Children's Hospital
Classification: Uncertain significance for X-linked Alport syndrome. Last evaluated: 2022-01-17. Review status: criteria provided, single submitter. Criteria: ACMG Guidelines, 2015. Collection method: clinical testing. Allele origin: maternal. Affected: yes. Observed: 1 variant allele.
Comment: The NM_000495.5(COL4A5):c.3248G>A (p.Gly1083Asp) is a missense variant in COL4A5. This variant is absent from the gnomAD v3.1.2 (GRCh38) population database (PM2). Computational tools including SIFT, PolyPhen-2, and MutationTaster predict this variant to have a deleterious effect on the protein product (PP3). In summary, this variant meets criteria to be classified as Uncertain Significance for Alport syndrome based on the ACMG/AMP 2015 criteria applied: PM2, PP1, PP3, PP4.

NM_033380.3(COL4A5):c.3248G>A (p.Gly1083Asp)

Gene: COL4A5 (collagen type IV alpha 5 chain; plus strand). Cytogenetic location: Xq22.3.
Variant type: single nucleotide variant.
Coding change: c.3248G>A on transcript NM_033380.3 (MANE Select); coding-DNA position 3248, G replaced by A.
Protein change: p.Gly1083Asp; replaces glycine 1083 with aspartic acid.
Molecular consequence: missense variant.
Genome position (GRCh38, 1-based): chrX:108,655,332, G>A. VCF-style: chrX-108655332-G-A. GRCh37 (hg19) VCF-style: chrX-107898562-G-A.
Other names: c.3248G>A, p.Gly1083Asp (NM_000495.5); short protein forms G1083D.
Identifiers: ClinVar variation 4796721 (VCV004796721.1).